The following is an entry in ClinVar:

NM_000099.4(CST3):c.399G>A (p.Gln133=)

Gene: CST3 (cystatin C; minus strand). Cytogenetic location: 20p11.21.
Variant type: single nucleotide variant.
Coding change: c.399G>A on transcript NM_000099.4 (MANE Select); coding-DNA position 399, G replaced by A.
Protein change: p.Gln133=; no amino-acid change (glutamine 133 retained).
Molecular consequence: synonymous variant.
Genome position (GRCh38, 1-based): chr20:23,633,958, C>T on the plus strand (G>A on the coding strand, the complement: CST3 is on the minus strand). VCF-style: chr20-23633958-C-T. GRCh37 (hg19) VCF-style: chr20-23614595-C-T.
Other names: c.399G>A, p.Gln133= (NM_001288614.2).
Identifiers: ClinVar variation 4978420 (VCV004978420.1).

ClinVar aggregate classification (germline): Likely benign (1 of 4 stars; one submission).

Conditions:
CST3-related condition.

Submission:

PreventionGenetics, part of Exact Sciences
Classification: Likely benign for CST3-related condition. Last evaluated: 2026-03-06. Review status: criteria provided, single submitter. Criteria: ACMG Guidelines, 2015. Collection method: clinical testing. Allele origin: germline.
Comment: This variant is classified as likely benign based on ACMG/AMP sequence variant interpretation guidelines (Richards et al. 2015 PMID: 25741868, with internal and published modifications).